The following is an entry in ClinVar:

ClinVar aggregate classification (germline): Uncertain significance. Review status: criteria provided, multiple submitters, no conflicts (2 of 4 stars). 4 submissions from 4 submitters: Uncertain significance (4). Last evaluated 2025-11-08.

Allele frequency attached by ClinVar (database versions not stated): gnomAD exomes 0.00014; 1000 Genomes Project 30x 0.00016; ExAC 0.00017; 1000 Genomes Project 0.00020; ESP Exome Variant Server 0.00031.
gnomAD v4.1: 406 of 1,614,230 alleles (0.025%); highest among the groups gnomAD compares: Non-Finnish European, 0.033%; no homozygotes.

Submissions (4):

Labcorp Genetics (formerly Invitae), Labcorp
Classification: Uncertain significance. Last evaluated: 2025-11-08. Review status: criteria provided, single submitter. Criteria: Invitae Variant Classification Sherloc (09022015). Collection method: clinical testing. Allele origin: germline.
Comment: This sequence change replaces valine, which is neutral and non-polar, with leucine, which is neutral and non-polar, at codon 573 of the RNF31 protein (p.Val573Leu). This variant is present in population databases (rs200349131, gnomAD 0.02%). This variant has not been reported in the literature in individuals affected with RNF31-related conditions. ClinVar contains an entry for this variant (Variation ID: 1506524). An algorithm developed to predict the effect of missense changes on protein structure and function (PolyPhen-2) suggests that this variant is likely to be tolerated. In summary, the available evidence is currently insufficient to determine the role of this variant in disease. Therefore, it has been classified as a Variant of Uncertain Significance.

Blueprint Genetics
Classification: Uncertain significance. Last evaluated: 2024-10-31. Review status: criteria provided, single submitter. Criteria: ACMG Guidelines, 2015. Collection method: clinical testing. Allele origin: germline.

Ambry Genetics
Classification: Uncertain significance. Last evaluated: 2024-05-06. Review status: criteria provided, single submitter. Criteria: Ambry Variant Classification Scheme 2023. Collection method: clinical testing. Allele origin: germline.

Breakthrough Genomics
Classification: Uncertain significance. Review status: criteria provided, single submitter. Criteria: ACMG Guidelines, 2015. Collection method: not provided. Allele origin: germline. Inheritance: Unknown mechanism. Affected: yes.

NM_017999.5(RNF31):c.1717G>T (p.Val573Leu)

Gene: RNF31 (ring finger protein 31; plus strand). Cytogenetic location: 14q12.
Variant type: single nucleotide variant.
Coding change: c.1717G>T on transcript NM_017999.5 (MANE Select); coding-DNA position 1717, G replaced by T.
Protein change: p.Val573Leu; replaces valine 573 with leucine.
Molecular consequence: missense variant.
Genome position (GRCh38, 1-based): chr14:24,151,359, G>T. VCF-style: chr14-24151359-G-T. GRCh37 (hg19) VCF-style: chr14-24620568-G-T.
Other names: c.1264G>T, p.Val422Leu (NM_001310332.2); c.1717G>T (NM_017999.4); short protein forms V573L, V422L.
Identifiers: ClinVar variation 1506524 (VCV001506524.10), dbSNP rs200349131, ClinGen allele CA7125850.